The following is an entry in ClinVar:

ClinVar aggregate classification (germline): Uncertain significance (1 of 4 stars; one submission).

Allele frequency attached by ClinVar (database versions not stated): gnomAD exomes below 0.00001.
gnomAD v4.1: 1 of 1,614,082 alleles (0.000062%); highest among the groups gnomAD compares: Admixed American, 0.0017%; no homozygotes.

Submission:

Labcorp Genetics (formerly Invitae), Labcorp
Classification: Uncertain significance. Last evaluated: 2022-06-07. Review status: criteria provided, single submitter. Criteria: Invitae Variant Classification Sherloc (09022015). Collection method: clinical testing. Allele origin: germline.
Comment: This sequence change replaces alanine, which is neutral and non-polar, with valine, which is neutral and non-polar, at codon 197 of the RXYLT1 protein (p.Ala197Val). This variant is not present in population databases (gnomAD no frequency). This variant has not been reported in the literature in individuals affected with RXYLT1-related conditions. Algorithms developed to predict the effect of missense changes on protein structure and function are either unavailable or do not agree on the potential impact of this missense change (SIFT: "Deleterious"; PolyPhen-2: "Benign"; Align-GVGD: "Class C55"). In summary, the available evidence is currently insufficient to determine the role of this variant in disease. Therefore, it has been classified as a Variant of Uncertain Significance.

NM_014254.3(RXYLT1):c.590C>T (p.Ala197Val)

Gene: RXYLT1 (ribitol xylosyltransferase 1; plus strand). Cytogenetic location: 12q14.2.
Variant type: single nucleotide variant.
Coding change: c.590C>T on transcript NM_014254.3 (MANE Select); coding-DNA position 590, C replaced by T.
Protein change: p.Ala197Val; replaces alanine 197 with valine.
Molecular consequence: missense variant. On other transcripts: 5 prime UTR variant (1).
Genome position (GRCh38, 1-based): chr12:63,802,252, C>T. VCF-style: chr12-63802252-C-T. GRCh37 (hg19) VCF-style: chr12-64196032-C-T.
Other names: c.-191C>T (NM_001278237.2); short protein forms A197V.
Identifiers: ClinVar variation 2104530 (VCV002104530.4), dbSNP rs2500519822, ClinGen allele CA385657967.